The following is an entry in ClinVar:

ClinVar aggregate classification (germline): Uncertain significance. Review status: criteria provided, multiple submitters, no conflicts (2 of 4 stars). 2 submissions from 2 submitters: Uncertain significance (2). Last evaluated 2024-12-05.

Conditions:
Inborn genetic diseases. Identifiers: MedGen C0950123, MeSH D030342.

Allele frequency attached by ClinVar (database versions not stated): ExAC 0.00001; TOPMed 0.00002; gnomAD 0.00003.

Submissions (2):

Ambry Genetics
Classification: Uncertain significance for Inborn genetic diseases. Last evaluated: 2024-12-05. Review status: criteria provided, single submitter. Criteria: Ambry Variant Classification Scheme 2023. Collection method: clinical testing. Allele origin: germline.

Labcorp Genetics (formerly Invitae), Labcorp
Classification: Uncertain significance. Last evaluated: 2022-08-21. Review status: criteria provided, single submitter. Criteria: Invitae Variant Classification Sherloc (09022015). Collection method: clinical testing. Allele origin: germline.
Comment: In summary, the available evidence is currently insufficient to determine the role of this variant in disease. Therefore, it has been classified as a Variant of Uncertain Significance. Algorithms developed to predict the effect of missense changes on protein structure and function output the following: SIFT: "Tolerated"; PolyPhen-2: "Benign"; Align-GVGD: "Class C0". The leucine amino acid residue is found in multiple mammalian species, which suggests that this missense change does not adversely affect protein function. This variant has not been reported in the literature in individuals affected with C8B-related conditions. This variant is present in population databases (rs747849141, gnomAD 0.008%). This sequence change replaces proline, which is neutral and non-polar, with leucine, which is neutral and non-polar, at codon 99 of the C8B protein (p.Pro99Leu).

NM_000066.4(C8B):c.296C>T (p.Pro99Leu)

Gene: C8B (complement C8 beta chain; minus strand). Cytogenetic location: 1p32.2.
Variant type: single nucleotide variant.
Coding change: c.296C>T on transcript NM_000066.4 (MANE Select); coding-DNA position 296, C replaced by T.
Protein change: p.Pro99Leu; replaces proline 99 with leucine.
Molecular consequence: missense variant.
Genome position (GRCh38, 1-based): chr1:56,956,864, G>A on the plus strand (C>T on the coding strand, the complement: C8B is on the minus strand). VCF-style: chr1-56956864-G-A. GRCh37 (hg19) VCF-style: chr1-57422537-G-A.
Other names: c.140C>T, p.Pro47Leu (NM_001278543.2); c.110C>T, p.Pro37Leu (NM_001278544.2); short protein forms P37L, P47L, P99L.
Identifiers: ClinVar variation 2417467 (VCV002417467.5), dbSNP rs747849141, ClinGen allele CA876032.
Genomic context (GRCh38, chr1:56,956,864, plus strand): 5'-TGACTTCCGCATGGTCTGTTGGTAACACAGTCTTCGACTTCCTTGTCAGAGAAGTTGCAC[G>A]GTTCCCCATGGAACTGAGAGGGCTGGAGCAAGTAGGCATACCTGTACTGTAGCAGAGAGG-3'
Protein context (NP_000057.3, residues 89-109): LLQPSQFHGE[Pro99Leu]CNFSDKEVED